The following is an entry in ClinVar:

NM_001127671.2(LIFR):c.1180C>T (p.Gln394Ter)

Gene: LIFR (LIF receptor subunit alpha; minus strand). Cytogenetic location: 5p13.1.
Variant type: single nucleotide variant.
Coding change: c.1180C>T on transcript NM_001127671.2 (MANE Select); coding-DNA position 1180, C replaced by T.
Protein change: p.Gln394Ter; replaces glutamine 394 with a stop codon.
Molecular consequence: nonsense.
Genome position (GRCh38, 1-based): chr5:38,506,016, G>A on the plus strand (C>T on the coding strand, the complement: LIFR is on the minus strand). VCF-style: chr5-38506016-G-A. GRCh37 (hg19) VCF-style: chr5-38506118-G-A.
Other names: c.1180C>T, p.Gln394Ter (NM_001364297.2, NM_001364298.2, NM_002310.6); short protein forms Q394*.
Identifiers: ClinVar variation 2780053 (VCV002780053.3), dbSNP rs1482559118, ClinGen allele CA359543943.

ClinVar aggregate classification (germline): Pathogenic (1 of 4 stars; one submission).

Submission:

Labcorp Genetics (formerly Invitae), Labcorp
Classification: Pathogenic. Last evaluated: 2023-05-20. Review status: criteria provided, single submitter. Criteria: Invitae Variant Classification Sherloc (09022015). Collection method: clinical testing. Allele origin: germline.
Comment: For these reasons, this variant has been classified as Pathogenic. This variant has not been reported in the literature in individuals affected with LIFR-related conditions. This variant is not present in population databases (gnomAD no frequency). This sequence change creates a premature translational stop signal (p.Gln394*) in the LIFR gene. It is expected to result in an absent or disrupted protein product. Loss-of-function variants in LIFR are known to be pathogenic (PMID: 14740318).

Literature cited by the submitters: PubMed 14740318.